The following is an entry in ClinVar:

ClinVar aggregate classification (germline): Uncertain significance (1 of 4 stars; one submission).

Submission:

Labcorp Genetics (formerly Invitae), Labcorp
Classification: Uncertain significance. Last evaluated: 2021-02-26. Review status: criteria provided, single submitter. Criteria: Invitae Variant Classification Sherloc (09022015). Collection method: clinical testing. Allele origin: germline.
Comment: This sequence change creates a premature translational stop signal (p.Tyr41Trpfs*7) in the NEK2 gene. It is expected to result in an absent or disrupted protein product. However, the current clinical and genetic evidence is not sufficient to establish whether loss-of-function variants in NEK2 cause disease. This variant is not present in population databases (ExAC no frequency). This variant has not been reported in the literature in individuals with NEK2-related conditions. In summary, the available evidence is currently insufficient to determine the role of this variant in disease. Therefore, it has been classified as a Variant of Uncertain Significance.

NM_002497.4(NEK2):c.122_123del (p.Tyr41fs)

Gene: NEK2 (NIMA related kinase 2; minus strand). Cytogenetic location: 1q32.3.
Variant type: Deletion.
Coding change: c.122_123del on transcript NM_002497.4 (MANE Select); coding-DNA positions 122 to 123, 2 bases deleted (AT; older notation c.122_123delAT).
Protein change: p.Tyr41fs; shifts the reading frame from tyrosine 41.
Molecular consequence: frameshift variant.
Genome position (GRCh38, 1-based): chr1:211,674,487-211,674,488, AT deleted on the plus strand (AT on the coding strand, the reverse complement: NEK2 is on the minus strand); deleting any 2 consecutive bases within chr1:211,674,487-211,674,489 gives the same sequence; the c. name uses the placement nearest the transcript's 3' end. VCF-style (leftmost placement, unchanged base first): chr1-211674486-CAT-C. GRCh37 (hg19) VCF-style: chr1-211847828-CAT-C.
Other names: c.122_123del, p.Tyr41fs (NM_001204182.2, NM_001204183.2); short protein forms Y41fs.
Identifiers: ClinVar variation 1499245 (VCV001499245.6), dbSNP rs2102448248, ClinGen allele CA2573131649.
Genomic context (GRCh38, chr1:211,674,486, plus strand): 5'-GTTCACGAAGCAAATTCACTTCAGAAACAAGCATCTGTTTCTCAGCTTCTGTCATGGAGC[CAT>C]AGTCAAGTTCTTTCCAAACTAATATCTGAAATAAGAATTTCCAAGGTATGAATGAACTCA-3'